The following is an entry in ClinVar:

ClinVar aggregate classification (germline): Conflicting classifications of pathogenicity. Review status: criteria provided, conflicting classifications (1 of 4 stars). 16 submissions from 15 submitters: Likely pathogenic (4); Uncertain significance (10); Benign (1). 1 of the submissions does not count toward it. Last evaluated 2026-02-20.

Conditions:
FANCA-related disorder. Also called: FANCA-related condition.
Fanconi anemia (FA). Also called: Fanconi's anemia. Identifiers: Orphanet 84, MedGen C0015625, MeSH D005199, MONDO:0019391.
Fanconi anemia complementation group A (FANCA). Also called: FANCA-Related Fanconi Anemia; Fanconi anemia, group A. Identifiers: Orphanet 84, MedGen C3469521, MONDO:0009215, OMIM 227650.

Submissions 1 to 14 of 16:

St. Jude Molecular Pathology, St. Jude Children's Research Hospital
Classification: Uncertain significance for Fanconi anemia complementation group A. Last evaluated: 2026-02-20. Review status: criteria provided, single submitter. Criteria: St. Jude Assertion Criteria 2020. Collection method: clinical testing. Allele origin: germline.
Comment: The FANCA c.2602-9_2602-8del intronic change results in a deletion of two nucleotides in intron 27 of the FANCA gene. Algorithms that predict the impact of sequence changes on splicing indica te that this change may impact splicing. This variant has a maximum non-founder subpopulation frequency of 0.097% in gnomAD v2.1.1. This variant has been reported in conjunction with a large deletion in an individual with Fanconi anemia (PMID: 29098742). In summary, the evidence currently available is insufficient to determine the clinical significance of this variant. It has therefore been classified as of uncertain significance.

Labcorp Genetics (formerly Invitae), Labcorp
Classification: Benign for Fanconi anemia. Last evaluated: 2026-01-24. Review status: criteria provided, single submitter. Criteria: Invitae Variant Classification Sherloc (09022015). Collection method: clinical testing. Allele origin: germline.

Natera, Inc.
Classification: Likely pathogenic for Fanconi anemia. Last evaluated: 2026-01-21. Review status: criteria provided, single submitter. Criteria: Natera Variant Classification Schema (03/2026). Collection method: clinical testing. Allele origin: germline.
Comment: The c.2602-9_2602-8delCT variant in FANCA is a frameshift variant predicted to shift the reading frame and introduce a stop codon. This variant is rare in the general population with a frequency below the threshold expected for the associated phenotype(s). This variant has been observed in one or more individuals affected with the associated recessive disease, as either homozygous or compound heterozygous with a second variant (PMID: 29098742). Additionally, this variant has been observed to segregate in affected family members (PMID: 29098742). Functional studies show that this variant may disrupt protein function (PMID: 29098742). Given the available evidence, this variant is classified as Likely Pathogenic.

Quest Diagnostics Nichols Institute San Juan Capistrano
Classification: Uncertain significance. Last evaluated: 2025-05-13. Review status: criteria provided, single submitter. Criteria: Quest Diagnostics criteria. Collection method: clinical testing. Allele origin: unknown.
Comment: The FANCA c.2602-9_2602-8del variant has been reported in the published literature in individuals with neuroblastoma (PMID: 34308366 (2021)), breast cancer (PMID: 32235514 (2020), 30306255 (2018), 30426508 (2018)), uterine cancer (PMID: 39150540 (2024)), renal cell carcinoma (PMID: 34654685 (2021)), and Fanconi Anemia (PMID: 29098742 (2018)). This variant has been shown to result in aberrant splicing with skipping of exons 28-30 and exon 29 of the FANCA gene (PMID: 29098742 (2018)). The frequency of this variant in the general population (Genome Aggregation Database) is higher than would generally be expected for pathogenic variants in this gene. Analysis of this variant using software algorithms for the prediction of the effect of nucleotide changes on FANCA mRNA splicing yielded inconclusive findings. Based on the available information, we are unable to determine the clinical significance of this variant.

Mayo Clinic Laboratories, Mayo Clinic
Classification: Uncertain significance. Last evaluated: 2025-05-08. Review status: criteria provided, single submitter. Criteria: ACMG Guidelines, 2015. Collection method: clinical testing. Allele origin: germline. Observed: 2 variant alleles.

Women's Health and Genetics/Laboratory Corporation of America, LabCorp
Classification: Uncertain significance. Last evaluated: 2025-04-23. Review status: criteria provided, single submitter. Criteria: LabCorp Variant Classification Summary - May 2015. Collection method: clinical testing. Allele origin: germline.
Comment: Variant summary: FANCA c.2602-9_2602-8delCT alters a non-conserved nucleotide located at a position not widely known to affect splicing. Consensus agreement among computation tools predict no significant impact on normal splicing. However, the variant has been shown to cause aberrant splicing in a patient derived cell line carrying the variant (Kimble_2018). The variant allele was found at a frequency of 0.00071 in 251154 control chromosomes (gnomAD). This frequency is not significantly higher than estimated for a pathogenic variant in FANCA causing Fanconi Anemia (0.00071 vs 0.0022), allowing no conclusion about variant significance. c.2602-9_2602-8delCT has been reported in the literature in individuals affected with Fanconi Anemia (Kimble_2018), Leiomyosarcomas (Dermawan_2024) and also in breast cancer patients (Bonache_2018, DelValle_2020, Schubert_2019). These reports do not provide unequivocal conclusions about the variant significance. The following publications have been ascertained in the context of this evaluation (PMID: 30306255, 32235514, 39150540, 34308366, 29098742, 30426508, 34654685). ClinVar contains an entry for this variant (Variation ID: 237041). Based on the evidence outlined above, the variant was classified as uncertain significance.

Blueprint Genetics
Classification: Uncertain significance. Last evaluated: 2024-11-19. Review status: criteria provided, single submitter. Criteria: ACMG Guidelines, 2015. Collection method: clinical testing. Allele origin: germline.

GeneDx
Classification: Uncertain significance. Last evaluated: 2024-06-25. Review status: criteria provided, single submitter. Criteria: GeneDx Variant Classification Process June 2021. Collection method: clinical testing. Allele origin: germline. Affected: yes.
Comment: Reported in two individuals from related families with Fanconi anemia who also have a multi-exon deletion on the opposite allele (in trans); RNA testing in one family suggests this variant leads to aberrant splicing (PMID: 29098742); In silico analysis is inconclusive as to whether the variant alters gene splicing. In the absence of RNA/functional studies, the actual effect of this sequence change is unknown.; This variant is associated with the following publications: (PMID: 25589003, 34426522, 30426508, 34308366, 32235514, 34654685, 30306255, 29098742)

Fulgent Genetics
Classification: Uncertain significance for Fanconi anemia complementation group A. Last evaluated: 2024-04-18. Review status: criteria provided, single submitter. Criteria: ACMG Guidelines, 2015. Collection method: clinical testing. Allele origin: germline.

Laboratory of Medical Genetics, National & Kapodistrian University of Athens
Classification: Likely pathogenic for Fanconi anemia complementation group A. Last evaluated: 2024-02-01. Review status: criteria provided, single submitter. Criteria: ACMG Guidelines, 2015. Collection method: curation. Allele origin: germline. Affected: no.

CeGaT Center for Human Genetics Tuebingen
Classification: Uncertain significance. Last evaluated: 2024-01-01. Review status: criteria provided, single submitter. Criteria: CeGaT Center For Human Genetics Tuebingen Variant Classification Criteria Version 2. Collection method: clinical testing. Allele origin: germline. Affected: yes. Observed: 2 variant alleles.
Comment: FANCA: PM3, PM2:Supporting, PS3:Supporting, BP4

Laboratory for Molecular Medicine, Mass General Brigham Personalized Medicine
Classification: Likely pathogenic for Fanconi anemia. Last evaluated: 2023-02-02. Review status: criteria provided, single submitter. Criteria: ACMG Guidelines, 2015. Collection method: clinical testing. Allele origin: germline.
Comment: The c.2602-9_2602-8delCT variant in FANCA has been reported in two individuals with Fanconi anemia both of whom were compound heterozygous for the variant and a large deletion of FANCA on the other allele (Kimble 2018 PMID: 29098742). It has also been reported in 2 individuals with early-onset renal cell carcinoma, 1 child with neuroblastoma and a distant family history of cancer, and 2 breast cancer patients (initial diagnosis < 55 yrs for both) (Truong 2021 PMID: 34654685, Fiala 2021 PMID: 34308366, del Valle 2020 PMID: 32235514). It was also identified in 0.07% (45/68038) of European chromosomes by gnomAD, and is reported in ClinVar (Variation ID 237041). RT-PCR analysis lymphoblastoid cell lines derived from one of the Fanconi anemia patients suggests that the variant results in aberrant splicing, and thus would be expected to lead to a truncated or absent protein. Loss of function of the FANCA gene is an established disease mechanism for autosomal recessive Fanconi anemia. In summary, although additional studies are required to fully establish its clinical significance, this variant meets criteria to be classified as likely pathogenic for autosomal recessive Fanconi anemia. ACMG/AMP criteria applied: PM3, PS3, PP4.

St. Jude Molecular Pathology, St. Jude Children's Research Hospital
Classification: Uncertain significance for Fanconi anemia. Last evaluated: 2021-12-09. Review status: criteria provided, single submitter. Criteria: St. Jude Assertion Criteria 2020. Collection method: clinical testing. Allele origin: germline.

Department of Pediatrics, Memorial Sloan Kettering Cancer Center
Classification: Likely pathogenic for Fanconi anemia complementation group A. Last evaluated: 2020-12-15. Review status: criteria provided, single submitter. Criteria: ACMG Guidelines, 2015. Collection method: research. Allele origin: germline. Affected: no.

NM_000135.4(FANCA):c.2602-13CT[2]

Genes: FANCA (FA complementation group A; minus strand), LOC130059837 (ATAC-STARR-seq lymphoblastoid active region 11420; plus strand). Cytogenetic location: 16q24.3.
Variant type: Microsatellite.
Coding change: c.2602-13CT[2] on transcript NM_000135.4 (MANE Select); two copies in a row of the 2-base unit CT starting at c.2602-13; the reference has three copies in a row; one copy, 2 bases deleted.
Molecular consequence: intron variant.
Genome position (GRCh38, 1-based): chr16:89,765,074-89,765,075, AG deleted on the plus strand (CT on the coding strand, the reverse complement: FANCA is on the minus strand); deleting any 2 consecutive bases within chr16:89,765,074-89,765,079 gives the same sequence; the position shown is the placement nearest the transcript's 3' end. VCF-style (leftmost placement, unchanged base first): chr16-89765073-CAG-C. GRCh37 (hg19) VCF-style: chr16-89831481-CAG-C.
Other names: p.?; c.2602-9_2602-8delCT (NM_000135.3, NM_000135.4, NM_000135.2); c.2602-9_2602-8del (NM_000135.4); c.2602-13CT[2] (NM_001286167.3).
Identifiers: ClinVar variation 237041 (VCV000237041.81), dbSNP rs577636020, ClinGen allele CA8251625.
Genomic context (GRCh38, chr16:89,765,073, plus strand): 5'-CTCAGAAAGAGGCTGTCGGGCCTCTGAGAACAATCTGAACATGAGGAACTGAAACTGAAA[CAG>C]AGAGTGACCCGGCCGTTTCTTCATTGCGCAAGTTTCACTGTGAGTGGCTGAGCAAATGCT-3'